The following is an entry in ClinVar:

ClinVar aggregate classification (germline): Uncertain significance (1 of 4 stars; one submission).

Allele frequency attached by ClinVar (database versions not stated): gnomAD exomes below 0.00001; gnomAD 0.00001.
gnomAD v4.1: 5 of 1,613,922 alleles (0.00031%); highest among the groups gnomAD compares: Non-Finnish European, 0.00025%; no homozygotes.

Submission:

GeneDx
Classification: Uncertain significance. Last evaluated: 2017-02-13. Review status: criteria provided, single submitter. Criteria: GeneDx Variant Classification (06012015). Collection method: clinical testing. Allele origin: germline. Affected: yes.
Comment: The E80K variant in the RBFOX1 gene has not been reported previously as a pathogenic variant, nor as a benign variant, to our knowledge. The E80K variant is not observed in large population cohorts (Lek et al., 2016; 1000 Genomes Consortium et al., 2015; Exome Variant Server). The E80K variant is a non-conservative amino acid substitution, which is likely to impact secondary protein structure as these residues differ in polarity, charge, size and/or other properties. This substitution occurs at a position where amino acids with similar properties to Glutamic Acid are tolerated across species. In silico analysis predicts this variant is probably damaging to the protein structure/function. We interpret E80K as a variant of uncertain significance.

NM_018723.4(RBFOX1):c.178G>A (p.Glu60Lys)

Gene: RBFOX1 (RNA binding fox-1 homolog 1; plus strand). Cytogenetic location: 16p13.3.
Variant type: single nucleotide variant.
Coding change: c.178G>A on transcript NM_018723.4 (MANE Select); coding-DNA position 178, G replaced by A.
Protein change: p.Glu60Lys; replaces glutamic acid 60 with lysine.
Molecular consequence: missense variant.
Genome position (GRCh38, 1-based): chr16:7,518,297, G>A. VCF-style: chr16-7518297-G-A. GRCh37 (hg19) VCF-style: chr16-7568299-G-A.
Other names: c.178G>A, p.Glu60Lys (NM_001142333.2, NM_001142334.2, NM_001364800.2); c.307G>A, p.Glu103Lys (NM_001308117.1); c.238G>A, p.Glu80Lys (NM_145891.3, NM_145892.3, NM_145893.3); short protein forms E60K, E80K, E103K.
Identifiers: ClinVar variation 423234 (VCV000423234.2), dbSNP rs1064796313, ClinGen allele CA16620271.